The following is an entry in ClinVar:

ClinVar aggregate classification (germline): Uncertain significance. Review status: criteria provided, multiple submitters, no conflicts (2 of 4 stars). 2 submissions from 2 submitters: Uncertain significance (2). Last evaluated 2022-04-15.

Conditions:
Granulomatous disease, chronic, X-linked. Also called: CYTOCHROME b-NEGATIVE GRANULOMATOUS DISEASE, CHRONIC, X-LINKED; GRANULOMATOUS DISEASE, CHRONIC, X-LINKED, SOMATIC MOSAIC. Identifiers: Orphanet 379, MedGen C1844376, MONDO:0010600, OMIM 306400.

Submissions (2):

GeneDx
Classification: Uncertain significance. Last evaluated: 2022-04-15. Review status: criteria provided, single submitter. Criteria: GeneDx Variant Classification Process June 2021. Collection method: clinical testing. Allele origin: germline. Affected: yes.
Comment: Not observed at significant frequency in large population cohorts (gnomAD); In silico analysis supports that this missense variant has a deleterious effect on protein structure/function; Has not been previously published as pathogenic or benign to our knowledge

Labcorp Genetics (formerly Invitae), Labcorp
Classification: Uncertain significance for Granulomatous disease, chronic, X-linked. Last evaluated: 2022-01-11. Review status: criteria provided, single submitter. Criteria: Invitae Variant Classification Sherloc (09022015). Collection method: clinical testing. Allele origin: germline.
Comment: In summary, the available evidence is currently insufficient to determine the role of this variant in disease. Therefore, it has been classified as a Variant of Uncertain Significance. Advanced modeling of protein sequence and biophysical properties (such as structural, functional, and spatial information, amino acid conservation, physicochemical variation, residue mobility, and thermodynamic stability) performed at Invitae indicates that this missense variant is expected to disrupt CYBB protein function. This variant has not been reported in the literature in individuals affected with CYBB-related conditions. This variant is not present in population databases (gnomAD no frequency). This sequence change replaces tyrosine, which is neutral and polar, with histidine, which is basic and polar, at codon 511 of the CYBB protein (p.Tyr511His).

NM_000397.4(CYBB):c.1531T>C (p.Tyr511His)

Gene: CYBB (cytochrome b-245 beta chain; plus strand). Cytogenetic location: Xp11.4.
Variant type: single nucleotide variant.
Coding change: c.1531T>C on transcript NM_000397.4 (MANE Select); coding-DNA position 1531, T replaced by C.
Protein change: p.Tyr511His; replaces tyrosine 511 with histidine.
Molecular consequence: missense variant.
Genome position (GRCh38, 1-based): chrX:37,809,636, T>C. VCF-style: chrX-37809636-T-C. GRCh37 (hg19) VCF-style: chrX-37668889-T-C.
Other names: short protein forms Y511H.
Identifiers: ClinVar variation 1710606 (VCV001710606.7), dbSNP rs2519213358, ClinGen allele CA412978490.